The following is an entry in ClinVar:

ClinVar aggregate classification (germline): Uncertain significance (1 of 4 stars; one submission).

Conditions:
Autoimmune interstitial lung disease-arthritis syndrome. Also called: Autoinflammation and autoimmunity, systemic, with immune dysregulation. Identifiers: Orphanet 444092, MedGen C5975714, MONDO:0014629.

Submission:

Labcorp Genetics (formerly Invitae), Labcorp
Classification: Uncertain significance for Autoimmune interstitial lung disease-arthritis syndrome. Last evaluated: 2025-04-08. Review status: criteria provided, single submitter. Criteria: Invitae Variant Classification Sherloc (09022015). Collection method: clinical testing. Allele origin: germline.
Comment: This sequence change replaces asparagine, which is neutral and polar, with lysine, which is basic and polar, at codon 686 of the COPA protein (p.Asn686Lys). This variant is not present in population databases (gnomAD no frequency). This variant has not been reported in the literature in individuals affected with COPA-related conditions. Invitae Evidence Modeling of protein sequence and biophysical properties (such as structural, functional, and spatial information, amino acid conservation, physicochemical variation, residue mobility, and thermodynamic stability) indicates that this missense variant is not expected to disrupt COPA protein function with a negative predictive value of 80%. In summary, the available evidence is currently insufficient to determine the role of this variant in disease. Therefore, it has been classified as a Variant of Uncertain Significance.

NM_004371.4(COPA):c.2058C>G (p.Asn686Lys)

Gene: COPA (coat protein complex I subunit alpha; minus strand). Cytogenetic location: 1q23.2.
Variant type: single nucleotide variant.
Coding change: c.2058C>G on transcript NM_004371.4 (MANE Select); coding-DNA position 2058, C replaced by G.
Protein change: p.Asn686Lys; replaces asparagine 686 with lysine.
Molecular consequence: missense variant.
Genome position (GRCh38, 1-based): chr1:160,297,665, G>C on the plus strand (C>G on the coding strand, the complement: COPA is on the minus strand). VCF-style: chr1-160297665-G-C. GRCh37 (hg19) VCF-style: chr1-160267455-G-C.
Other names: c.2085C>G, p.Asn695Lys (NM_001098398.2); short protein forms N695K, N686K.
Identifiers: ClinVar variation 4742653 (VCV004742653.1).